The following is an entry in ClinVar:

ClinVar aggregate classification (germline): Benign/Likely benign. Review status: criteria provided, multiple submitters, no conflicts (2 of 4 stars). 2 submissions from 2 submitters: Benign (1); Likely benign (1). Last evaluated 2026-01-05.

Conditions:
Hemochromatosis type 4 (HFE4). Also called: HEMOCHROMATOSIS DUE TO DEFECT IN FERROPORTIN; HEMOCHROMATOSIS, AUTOSOMAL DOMINANT; Ferroportin disease. Identifiers: Orphanet 139491, Orphanet 647834, Orphanet 648562, MedGen C1853733, MONDO:0011631, OMIM 606069.

Allele frequency attached by ClinVar (database versions not stated): TOPMed 0.00017; ESP Exome Variant Server 0.00023; gnomAD exomes 0.00033 and 0.00025; ExAC 0.00029; 1000 Genomes Project 30x 0.00016; 1000 Genomes Project 0.00020; gnomAD 0.00026 and 0.00025.
gnomAD v4.1: 510 of 1,614,078 alleles (0.032%); highest among the groups gnomAD compares: Non-Finnish European, 0.04%; no homozygotes.

Submissions (2):

Labcorp Genetics (formerly Invitae), Labcorp
Classification: Likely benign for Hemochromatosis type 4. Last evaluated: 2026-01-05. Review status: criteria provided, single submitter. Criteria: Invitae Variant Classification Sherloc (09022015). Collection method: clinical testing. Allele origin: germline.

Illumina Laboratory Services, Illumina
Classification: Benign for Hemochromatosis type 4. Last evaluated: 2018-01-13. Review status: criteria provided, single submitter. Criteria: ICSL Variant Classification Criteria 13 December 2019. Collection method: clinical testing. Allele origin: germline.
Comment: This variant was observed in the ICSL laboratory as part of a predisposition screen in an ostensibly healthy population. It had not been previously curated by ICSL or reported in the Human Gene Mutation Database (HGMD: prior to June 1st, 2018), and was therefore a candidate for classification through an automated scoring system. Utilizing variant allele frequency, disease prevalence and penetrance estimates, and inheritance mode, an automated score was calculated to assess if this variant is too frequent to cause the disease. Based on the score and internal cut-off values, a variant classified as benign is not then subjected to further curation. The score for this variant resulted in a classification of benign for this disease.

NM_014585.6(SLC40A1):c.760+14A>G

Gene: SLC40A1 (solute carrier family 40 member 1; minus strand). Cytogenetic location: 2q32.2.
Variant type: single nucleotide variant.
Coding change: c.760+14A>G on transcript NM_014585.6 (MANE Select); 14 bases into the intron after coding-DNA position 760, A replaced by G.
Molecular consequence: intron variant.
Genome position (GRCh38, 1-based): chr2:189,565,340, T>C on the plus strand (A>G on the coding strand, the complement: SLC40A1 is on the minus strand). VCF-style: chr2-189565340-T-C. GRCh37 (hg19) VCF-style: chr2-190430066-T-C.
Identifiers: ClinVar variation 333166 (VCV000333166.12), dbSNP rs145600408, ClinGen allele CA2024167.